The following is an entry in ClinVar:

ClinVar aggregate classification (germline): Likely pathogenic (1 of 4 stars; one submission).

Conditions:
Exostoses, multiple, type 2 (EXT2). Also called: Hereditary Multiple Osteochondromatosis, Type II; EXOSTOSES, MULTIPLE, TYPE II. Identifiers: Orphanet 321, MedGen C1851413, MONDO:0007586, OMIM 133701.

gnomAD v4.1: 1 of 1,613,686 alleles (0.000062%); highest among the groups gnomAD compares: East Asian, 0.0022%; no homozygotes.

Submission:

Labcorp Genetics (formerly Invitae), Labcorp
Classification: Likely pathogenic for Exostoses, multiple, type 2. Last evaluated: 2022-06-09. Review status: criteria provided, single submitter. Criteria: Invitae Variant Classification Sherloc (09022015). Collection method: clinical testing. Allele origin: germline.
Comment: This sequence change affects an acceptor splice site in intron 10 of the EXT2 gene. It is expected to disrupt RNA splicing. Variants that disrupt the donor or acceptor splice site typically lead to a loss of protein function (PMID: 16199547), and loss-of-function variants in EXT2 are known to be pathogenic (PMID: 10679937, 19810120). This variant is not present in population databases (gnomAD no frequency). In summary, the currently available evidence indicates that the variant is pathogenic, but additional data are needed to prove that conclusively. Therefore, this variant has been classified as Likely Pathogenic. Algorithms developed to predict the effect of sequence changes on RNA splicing suggest that this variant may disrupt the consensus splice site. Disruption of this splice site has been observed in individual(s) with testicular germ cell tumor (PMID: 29625052).

Literature cited by the submitters: PubMed 16199547; PubMed 10679937; PubMed 19810120; PubMed 29625052.

NM_207122.2(EXT2):c.1663-1G>A

Gene: EXT2 (exostosin glycosyltransferase 2; plus strand). Cytogenetic location: 11p11.2.
Variant type: single nucleotide variant.
Coding change: c.1663-1G>A on transcript NM_207122.2 (MANE Select); the canonical splice acceptor site of the intron before coding-DNA position 1663, G replaced by A.
Molecular consequence: splice acceptor variant.
Genome position (GRCh38, 1-based): chr11:44,232,352, G>A. VCF-style: chr11-44232352-G-A. GRCh37 (hg19) VCF-style: chr11-44253902-G-A.
Other names: c.1663-1G>A (NM_001389630.1, NM_001389628.1); c.1693-1G>A (NM_001178083.3); c.1762-1G>A (NM_000401.3).
Identifiers: ClinVar variation 1925953 (VCV001925953.5), dbSNP rs1194348744, ClinGen allele CA380182803.